The following is an entry in ClinVar:

NM_024757.5(EHMT1):c.247G>A (p.Asp83Asn)

Gene: EHMT1 (euchromatic histone lysine methyltransferase 1; plus strand). Cytogenetic location: 9q34.3.
Variant type: single nucleotide variant.
Coding change: c.247G>A on transcript NM_024757.5 (MANE Select); coding-DNA position 247, G replaced by A.
Protein change: p.Asp83Asn; replaces aspartic acid 83 with asparagine.
Molecular consequence: missense variant.
Genome position (GRCh38, 1-based): chr9:137,716,787, G>A. VCF-style: chr9-137716787-G-A. GRCh37 (hg19) VCF-style: chr9-140611239-G-A.
Other names: c.247G>A, p.Asp83Asn (NM_001145527.2, NM_001354263.2, NM_001354611.2); c.154G>A, p.Asp52Asn (NM_001354259.2, NM_001354612.2); short protein forms D83N, D52N.
Identifiers: ClinVar variation 1039090 (VCV001039090.9), dbSNP rs746759694, ClinGen allele CA5374242.
Genomic context (GRCh38, chr9:137,716,787, plus strand): 5'-GCCAGCAGTCATGCAAATGCTGCAAAGCACACTCAGGACAGCGCAAGGGTCAACCCCCAG[G>A]ATGGCACCAACACACTAACTCGGATAGCGGAAAATGGGGTTTCAGAAAGAGACTCAGAAG-3'
Protein context (NP_079033.4, residues 73-93): TQDSARVNPQ[Asp83Asn]GTNTLTRIAE

ClinVar aggregate classification (germline): Uncertain significance (1 of 4 stars; one submission).

Conditions:
Kleefstra syndrome 1 (KLEFS1). Identifiers: Orphanet 261494, MedGen C0795833, MONDO:0027407, OMIM 610253.

Allele frequency attached by ClinVar (database versions not stated): ExAC 0.00001.

Submission:

Labcorp Genetics (formerly Invitae), Labcorp
Classification: Uncertain significance for Kleefstra syndrome 1. Last evaluated: 2020-06-29. Review status: criteria provided, single submitter. Criteria: Invitae Variant Classification Sherloc (09022015). Collection method: clinical testing. Allele origin: germline.
Comment: This sequence change replaces aspartic acid with asparagine at codon 83 of the EHMT1 protein (p.Asp83Asn). The aspartic acid residue is weakly conserved and there is a small physicochemical difference between aspartic acid and asparagine. This variant is present in population databases (rs746759694, ExAC 0.002%). In summary, the available evidence is currently insufficient to determine the role of this variant in disease. Therefore, it has been classified as a Variant of Uncertain Significance. Algorithms developed to predict the effect of missense changes on protein structure and function are either unavailable or do not agree on the potential impact of this missense change (SIFT: "Deleterious"; PolyPhen-2: "Benign"; Align-GVGD: "Class C0"). This variant has not been reported in the literature in individuals with EHMT1-related conditions.